The following is an entry in ClinVar:

NM_001382430.1(AKT1):c.1320G>T (p.Glu440Asp)

Gene: AKT1 (AKT serine/threonine kinase 1; minus strand). Cytogenetic location: 14q32.33.
Variant type: single nucleotide variant.
Coding change: c.1320G>T on transcript NM_001382430.1 (MANE Select); coding-DNA position 1320, G replaced by T.
Protein change: p.Glu440Asp; replaces glutamic acid 440 with aspartic acid.
Molecular consequence: missense variant.
Genome position (GRCh38, 1-based): chr14:104,770,788, C>A on the plus strand (G>T on the coding strand, the complement: AKT1 is on the minus strand). VCF-style: chr14-104770788-C-A. GRCh37 (hg19) VCF-style: chr14-105237125-C-A.
Other names: c.1320G>T, p.Glu440Asp (NM_001014431.2, NM_001014432.2, NM_001382431.1 and 3 more transcripts); short protein forms E440D.
Identifiers: ClinVar variation 473852 (VCV000473852.8), dbSNP rs1159942120, ClinGen allele CA391214538.

ClinVar aggregate classification (germline): Uncertain significance (1 of 4 stars; one submission).

Conditions:
Cowden syndrome 6 (CWS6). Identifiers: Orphanet 201, MedGen C3554519, MONDO:0014048, OMIM 615109.

Allele frequency attached by ClinVar (database versions not stated): gnomAD exomes below 0.00001 and 0.00001; TOPMed 0.00001.
gnomAD v4.1: 9 of 1,614,152 alleles (0.00056%); highest among the groups gnomAD compares: African/African-American, 0.0013%; no homozygotes.

Submission:

Labcorp Genetics (formerly Invitae), Labcorp
Classification: Uncertain significance for Cowden syndrome 6. Last evaluated: 2017-03-28. Review status: criteria provided, single submitter. Criteria: Invitae Variant Classification Sherloc (09022015). Collection method: clinical testing. Allele origin: germline.
Comment: In summary, this variant is a novel missense change with uncertain impact on protein function. It has been classified as a Variant of Uncertain Significance. Algorithms developed to predict the effect of missense changes on protein structure and function do not agree on the potential impact of this missense change (SIFT: "Tolerated"; PolyPhen-2: "Probably Damaging"; Align-GVGD: "Class C0"). This variant is not present in population databases (ExAC no frequency) and has not been reported in the literature in individuals with a AKT1-related disease. This sequence change replaces glutamic acid with aspartic acid at codon 440 of the AKT1 protein (p.Glu440Asp). The glutamic acid residue is weakly conserved and there is a small physicochemical difference between glutamic acid and aspartic acid.